The following is an entry in ClinVar:

NM_001267550.2(TTN):c.8051A>G (p.Asp2684Gly)

Gene: TTN (titin; minus strand). Cytogenetic location: 2q31.2.
Variant type: single nucleotide variant.
Coding change: c.8051A>G on transcript NM_001267550.2 (MANE Select); coding-DNA position 8051, A replaced by G.
Protein change: p.Asp2684Gly; replaces aspartic acid 2684 with glycine.
Molecular consequence: missense variant.
Genome position (GRCh38, 1-based): chr2:178,771,276, T>C on the plus strand (A>G on the coding strand, the complement: TTN is on the minus strand). VCF-style: chr2-178771276-T-C. GRCh37 (hg19) VCF-style: chr2-179636003-T-C.
Other names: c.8051A>G, p.Asp2684Gly (NM_001256850.1, NM_133378.4, NM_133379.5); c.7913A>G, p.Asp2638Gly (NM_003319.4, NM_133432.3, NM_133437.4); c.8051A>G (NM_001267550.1); short protein forms D2638G, D2684G.
Identifiers: ClinVar variation 1303438 (VCV001303438.5), dbSNP rs1008197005, ClinGen allele CA61004426.

ClinVar aggregate classification (germline): Uncertain significance. Review status: criteria provided, multiple submitters, no conflicts (2 of 4 stars). 3 submissions from 3 submitters: Uncertain significance (3). Last evaluated 2025-05-22.

Conditions:
Dilated cardiomyopathy 1G (CMD1G). Identifiers: Orphanet 154, MedGen C1858763, MONDO:0011400, OMIM 604145.
Hypertrophic cardiomyopathy 9. Also called: Familial hypertrophic cardiomyopathy 9. Identifiers: MedGen C1861065, MONDO:0013412, OMIM 613765.
Early-onset myopathy with fatal cardiomyopathy (CMYO5). Also called: Salih Myopathy; CONGENITAL MYOPATHY 5 WITH CARDIOMYOPATHY. Identifiers: Orphanet 289377, MedGen C2673677, MONDO:0012714, OMIM 611705. Disease mechanism: loss of function.
Tibial muscular dystrophy (TMD). Also called: UDD MYOPATHY; Tibial muscular dystrophy, tardive; Udd Distal Myopathy – Tibial Muscular Dystrophy. Identifiers: Orphanet 609, MedGen C1838244, MONDO:0010870, OMIM 600334.
Autosomal recessive limb-girdle muscular dystrophy type 2J (LGMDR10). Also called: Limb-girdle muscular dystrophy, type 2J; MUSCULAR DYSTROPHY, LIMB-GIRDLE, AUTOSOMAL RECESSIVE 10. Identifiers: Orphanet 140922, MedGen C1837342, MONDO:0012127, OMIM 608807.
Myopathy, myofibrillar, 9, with early respiratory failure (MFM9). Also called: Hereditary myopathy with early respiratory failure; EDSTROM MYOPATHY; MYOPATHY, PROXIMAL, WITH EARLY RESPIRATORY MUSCLE INVOLVEMENT; Myopathy, distal, with early respiratory failure, autosomal dominant. Identifiers: Orphanet 178464, Orphanet 34521, MedGen C1863599, MONDO:0011362, OMIM 603689.
TTN-related disorder. Also called: TTN-related disorders; TTN-related condition; TTN-related disease.

Allele frequency attached by ClinVar (database versions not stated): gnomAD exomes 0.00001; gnomAD 0.00003 and 0.00004; TOPMed 0.00003.
gnomAD v4.1: 8 of 1,613,998 alleles (0.0005%); highest among the groups gnomAD compares: African/African-American, 0.0093%; no homozygotes.

Submissions (3):

PreventionGenetics, part of Exact Sciences
Classification: Uncertain significance for TTN-related condition. Last evaluated: 2025-05-22. Review status: criteria provided, single submitter. Criteria: ACMG Guidelines, 2015. Collection method: clinical testing. Allele origin: germline.
Comment: The TTN c.8051A>G variant is predicted to result in the amino acid substitution p.Asp2684Gly. To our knowledge, this variant has not been reported in the literature or in a large population database (gnomAD), indicating this variant is rare. At this time, the clinical significance of this variant is uncertain due to the absence of conclusive functional and genetic evidence.

GeneDx
Classification: Uncertain significance. Last evaluated: 2023-03-05. Review status: criteria provided, single submitter. Criteria: GeneDx Variant Classification Process June 2021. Collection method: clinical testing. Allele origin: germline. Affected: yes.
Comment: Not observed at significant frequency in large population cohorts (gnomAD); In silico analysis supports that this missense variant has a deleterious effect on protein structure/function; Missense variant in a gene in which most reported pathogenic variants are truncating/loss of function; Has not been previously reported as pathogenic or benign to our knowledge; Located in a region of TTN within the I-band in which the majority of loss of function variants are significantly associated with autosomal dominant titinopathies (Deo et al., 2016; Schafer et al., 2017)

Fulgent Genetics
Classification: Uncertain significance for Tibial muscular dystrophy; Myopathy, myofibrillar, 9, with early respiratory failure; Dilated cardiomyopathy 1G; Autosomal recessive limb-girdle muscular dystrophy type 2J; Early-onset myopathy with fatal cardiomyopathy; Hypertrophic cardiomyopathy 9. Last evaluated: 2021-10-21. Review status: criteria provided, single submitter. Criteria: ACMG Guidelines, 2015. Collection method: clinical testing. Allele origin: unknown.